The following is an entry in ClinVar:

NM_145728.3(SYNM):c.2700G>A (p.Gly900=)

Gene: SYNM (synemin; plus strand). Cytogenetic location: 15q26.3.
Variant type: single nucleotide variant.
Coding change: c.2700G>A on transcript NM_145728.3 (MANE Select); coding-DNA position 2700, G replaced by A.
Protein change: p.Gly900=; no amino-acid change (glycine 900 retained).
Molecular consequence: synonymous variant.
Genome position (GRCh38, 1-based): chr15:99,131,060, G>A. VCF-style: chr15-99131060-G-A. GRCh37 (hg19) VCF-style: chr15-99671265-G-A.
Other names: c.2700G>A, p.Gly900= (NM_015286.6).
Identifiers: ClinVar variation 3040198 (VCV003040198.1), dbSNP rs1555485742, ClinGen allele CA492471577.

ClinVar aggregate classification (germline): Likely benign (1 of 4 stars; one submission).

Conditions:
SYNM-related disorder. Also called: SYNM-related condition.

Submission:

PreventionGenetics, part of Exact Sciences
Classification: Likely benign for SYNM-related condition. Last evaluated: 2020-05-26. Review status: criteria provided, single submitter. Criteria: ACMG Guidelines, 2015. Collection method: clinical testing. Allele origin: germline.
Comment: This variant is classified as likely benign based on ACMG/AMP sequence variant interpretation guidelines (Richards et al. 2015 PMID: 25741868, with internal and published modifications).